The following is an entry in ClinVar:

NM_000384.3(APOB):c.5368C>G (p.Pro1790Ala)

Gene: APOB (apolipoprotein B; minus strand). Cytogenetic location: 2p24.1.
Variant type: single nucleotide variant.
Coding change: c.5368C>G on transcript NM_000384.3 (MANE Select); coding-DNA position 5368, C replaced by G.
Protein change: p.Pro1790Ala; replaces proline 1790 with alanine.
Molecular consequence: missense variant.
Genome position (GRCh38, 1-based): chr2:21,011,500, G>C on the plus strand (C>G on the coding strand, the complement: APOB is on the minus strand). VCF-style: chr2-21011500-G-C. GRCh37 (hg19) VCF-style: chr2-21234372-G-C.
Other names: c.5368C>G (NM_000384.2); short protein forms P1790A.
Identifiers: ClinVar variation 2080813 (VCV002080813.6), dbSNP rs759803636, ClinGen allele CA061968.

ClinVar aggregate classification (germline): Conflicting classifications of pathogenicity. Review status: criteria provided, conflicting classifications (1 of 4 stars). 3 submissions from 3 submitters: Uncertain significance (2); Benign (1). Last evaluated 2025-09-17.

Conditions:
Cardiovascular phenotype. Identifiers: MedGen CN230736.
Hypercholesterolemia, autosomal dominant, type B (FHCL2). Also called: Familial hypercholesterolemia 2; Familial Hypercholesterolemia Type B; APOLIPOPROTEIN B-100, FAMILIAL DEFECTIVE; APOLIPOPROTEIN B-100, FAMILIAL LIGAND-DEFECTIVE; HYPERCHOLESTEROLEMIA, FAMILIAL, DUE TO LIGAND-DEFECTIVE APOLIPOPROTEIN B; Hyperlipoproteinemia Type IIb. Identifiers: MedGen C1704417, MONDO:0007751, OMIM 144010.
Familial hypobetalipoproteinemia 1. Also called: APOB-Related Familial Hypobetalipoproteinemia; Hypobetalipoproteinemia, normotriglyceridemic; Acanthocytosis with hypobetalipoproteinemia. Identifiers: MedGen C4551990, MONDO:0014252, OMIM 615558.

Allele frequency attached by ClinVar (database versions not stated): gnomAD exomes 0.00002; TOPMed 0.00002; ExAC 0.00003.

Submissions (3):

Ambry Genetics
Classification: Uncertain significance for Cardiovascular phenotype. Last evaluated: 2025-09-17. Review status: criteria provided, single submitter. Criteria: Ambry Variant Classification Scheme 2023. Collection method: clinical testing. Allele origin: germline.
Comment: The p.P1790A variant (also known as c.5368C>G), located in coding exon 26 of the APOB gene, results from a C to G substitution at nucleotide position 5368. The proline at codon 1790 is replaced by alanine, an amino acid with highly similar properties. This amino acid position is conserved. In addition, this alteration is predicted to be tolerated by in silico analysis. Based on the available evidence, the clinical significance of this variant remains unclear.

GeneDx
Classification: Uncertain significance. Last evaluated: 2025-01-27. Review status: criteria provided, single submitter. Criteria: GeneDx Variant Classification Process June 2021. Collection method: clinical testing. Allele origin: germline. Affected: yes.
Comment: In silico analysis supports that this missense variant has a deleterious effect on protein structure/function; Has not been previously published as pathogenic or benign to our knowledge

Labcorp Genetics (formerly Invitae), Labcorp
Classification: Benign for Familial hypobetalipoproteinemia 1; Hypercholesterolemia, autosomal dominant, type B. Last evaluated: 2024-03-12. Review status: criteria provided, single submitter. Criteria: Invitae Variant Classification Sherloc (09022015). Collection method: clinical testing. Allele origin: germline.